The following is an entry in ClinVar:

NM_032119.4(ADGRV1):c.5928T>A (p.Tyr1976Ter)

Gene: ADGRV1 (adhesion G protein-coupled receptor V1; plus strand). Cytogenetic location: 5q14.3.
Variant type: single nucleotide variant.
Coding change: c.5928T>A on transcript NM_032119.4 (MANE Select); coding-DNA position 5928, T replaced by A.
Protein change: p.Tyr1976Ter; replaces tyrosine 1976 with a stop codon.
Molecular consequence: nonsense. On other transcripts: non-coding transcript variant (1).
Genome position (GRCh38, 1-based): chr5:90,683,849, T>A. VCF-style: chr5-90683849-T-A. GRCh37 (hg19) VCF-style: chr5-89979666-T-A.
Other names: short protein forms Y1976*.
Identifiers: ClinVar variation 1451737 (VCV001451737.6), dbSNP rs1199598914, ClinGen allele CA360413751.

ClinVar aggregate classification (germline): Pathogenic (1 of 4 stars; one submission).

Submission:

Labcorp Genetics (formerly Invitae), Labcorp
Classification: Pathogenic. Last evaluated: 2021-11-02. Review status: criteria provided, single submitter. Criteria: Invitae Variant Classification Sherloc (09022015). Collection method: clinical testing. Allele origin: germline.
Comment: This sequence change creates a premature translational stop signal (p.Tyr1976*) in the ADGRV1 gene. It is expected to result in an absent or disrupted protein product. Loss-of-function variants in ADGRV1 are known to be pathogenic (PMID: 19357117, 22135276, 22147658, 26226137, 26667666, 30029497, 32467589). For these reasons, this variant has been classified as Pathogenic. This variant has not been reported in the literature in individuals affected with ADGRV1-related conditions. This variant is not present in population databases (gnomAD no frequency).

Literature cited by the submitters: PubMed 19357117; PubMed 22135276; PubMed 22147658; PubMed 26226137; PubMed 26667666; PubMed 30029497; PubMed 32467589.